The following is an entry in ClinVar:

NM_019892.6(INPP5E):c.1468G>T (p.Asp490Tyr)

Gene: INPP5E (inositol polyphosphate-5-phosphatase E; minus strand). Cytogenetic location: 9q34.3.
Variant type: single nucleotide variant.
Coding change: c.1468G>T on transcript NM_019892.6 (MANE Select); coding-DNA position 1468, G replaced by T.
Protein change: p.Asp490Tyr; replaces aspartic acid 490 with tyrosine.
Molecular consequence: missense variant.
Genome position (GRCh38, 1-based): chr9:136,431,905, C>A on the plus strand (G>T on the coding strand, the complement: INPP5E is on the minus strand). VCF-style: chr9-136431905-C-A. GRCh37 (hg19) VCF-style: chr9-139326357-C-A.
Other names: c.1465G>T, p.Asp489Tyr (NM_001318502.2); short protein forms D490Y, D489Y.
Identifiers: ClinVar variation 217665 (VCV000217665.3), dbSNP rs757222534, ClinGen allele CA277770.
Genomic context (GRCh38, chr9:136,431,905, plus strand): 5'-GCTGGTCGTGCTGCAGCAGCGCCGGCACGTCCACCACCAGGCCCTGGCACAGGAGGGCGT[C>A]CACGACTGTGCGCCCGCCACTCAGGCGGAAGTTGAAGTCTCCAAACCAGAACACCTCATC-3'
Protein context (NP_063945.2, residues 480-500): FRLSGGRTVV[Asp490Tyr]ALLCQGLVVD

ClinVar aggregate classification (germline): Conflicting classifications of pathogenicity. Review status: criteria provided, conflicting classifications (1 of 4 stars). 2 submissions from 2 submitters: Pathogenic (1); Uncertain significance (1). Last evaluated 2024-03-19.

Conditions:
Joubert syndrome. Also called: CEREBELLOPARENCHYMAL DISORDER IV; JOUBERT-BOLTSHAUSER SYNDROME; Familial aplasia of the vermis. Identifiers: Orphanet 475, MedGen C5979921, MONDO:0018772.

Allele frequency attached by ClinVar (database versions not stated): TOPMed below 0.00001; gnomAD 0.00001.
gnomAD v4.1: 7 of 1,611,150 alleles (0.00043%); highest among the groups gnomAD compares: Non-Finnish European, 0.00059%; no homozygotes.

Submissions (2):

Women's Health and Genetics/Laboratory Corporation of America, LabCorp
Classification: Uncertain significance. Last evaluated: 2024-03-19. Review status: criteria provided, single submitter. Criteria: LabCorp Variant Classification Summary - May 2015. Collection method: clinical testing. Allele origin: germline.
Comment: Variant summary: INPP5E c.1468G>T (p.Asp490Tyr) results in a non-conservative amino acid change located in the Inositol polyphosphate-related phosphatase domain of the encoded protein sequence. Five of five in-silico tools predict a damaging effect of the variant on protein function. The variant was absent in 246596 control chromosomes. c.1468G>T has been reported in the literature an in individuals affected with Joubert Syndrome with retinal involvement (Bachmann-Gagescu_2015, Phelps_2018). These data do not allow any conclusion about variant significance. At least one publication reports experimental evidence evaluating an impact on protein function showing a strong reduction in protein levels without affecting ciliary targeting (Cilleros-Rodriguez_2022). ClinVar contains an entry for this variant (Variation ID: 217665). Based on the evidence outlined above, the variant was classified as a VUS.

UW Hindbrain Malformation Research Program, University of Washington
Classification: Pathogenic for Joubert syndrome 1. Last evaluated: 2015-02-23. Review status: criteria provided, single submitter. Criteria: Bachmann-Gagescu et al. (J Med Genet. 2015). Collection method: research. Allele origin: unknown. Affected: yes.

Literature cited by the submitters: PubMed 26092869 (cited by Women's Health and Genetics/Laboratory Corporation of America, LabCorp); PubMed 28771248 (cited by Women's Health and Genetics/Laboratory Corporation of America, LabCorp); PubMed 36063381 (cited by Women's Health and Genetics/Laboratory Corporation of America, LabCorp).